The following is an entry in ClinVar:

ClinVar aggregate classification (germline): Uncertain significance (1 of 4 stars; one submission).

Submission:

GeneDx
Classification: Uncertain significance. Last evaluated: 2024-12-08. Review status: criteria provided, single submitter. Criteria: GeneDx Variant Classification Process June 2021. Collection method: clinical testing. Allele origin: germline. Affected: yes.
Comment: Not observed at significant frequency in large population cohorts (gnomAD); In silico analysis supports that this missense variant has a deleterious effect on protein structure/function; Has not been previously published as pathogenic or benign to our knowledge

NM_001012614.2(CTBP1):c.596G>A (p.Gly199Asp)

Genes: CTBP1 (C-terminal binding protein 1; minus strand), CTBP1-AS (CTBP1 antisense RNA; plus strand). Cytogenetic location: 4p16.3.
Variant type: single nucleotide variant.
Coding change: c.596G>A on transcript NM_001012614.2 (MANE Select); coding-DNA position 596, G replaced by A.
Protein change: p.Gly199Asp; replaces glycine 199 with aspartic acid.
Molecular consequence: missense variant. On other transcripts: non-coding transcript variant (1).
Genome position (GRCh38, 1-based): chr4:1,216,124, C>T on the plus strand (G>A on the coding strand, the complement: CTBP1 is on the minus strand). VCF-style: chr4-1216124-C-T. GRCh37 (hg19) VCF-style: chr4-1209912-C-T.
Other names: c.629G>A, p.Gly210Asp (NM_001328.3, NM_001377186.1); c.596G>A, p.Gly199Asp (NM_001377187.1, NM_001377188.1, NM_001377189.1 and 4 more transcripts); short protein forms G199D, G210D.
Identifiers: ClinVar variation 3901415 (VCV003901415.1).